The following is an entry in ClinVar:

NM_004793.4(LONP1):c.1847A>C (p.Asn616Thr)

Gene: LONP1 (lon peptidase 1, mitochondrial; minus strand). Cytogenetic location: 19p13.3.
Variant type: single nucleotide variant.
Coding change: c.1847A>C on transcript NM_004793.4 (MANE Select); coding-DNA position 1847, A replaced by C.
Protein change: p.Asn616Thr; replaces asparagine 616 with threonine.
Molecular consequence: missense variant. On other transcripts: non-coding transcript variant (1).
Genome position (GRCh38, 1-based): chr19:5,696,298, T>G on the plus strand (A>C on the coding strand, the complement: LONP1 is on the minus strand). VCF-style: chr19-5696298-T-G. GRCh37 (hg19) VCF-style: chr19-5696309-T-G.
Other names: c.1655A>C, p.Asn552Thr (NM_001276479.2); c.1259A>C, p.Asn420Thr (NM_001276480.1); short protein forms N616T, N420T, N552T.
Identifiers: ClinVar variation 591506 (VCV000591506.3), dbSNP rs200839886, ClinGen allele CA304610694.

ClinVar aggregate classification (germline): Uncertain significance. Review status: criteria provided, single submitter (1 of 4 stars). 2 submissions from 2 submitters: Uncertain significance (1). 1 of the submissions does not count toward it. Last evaluated 2024-01-22.

Allele frequency attached by ClinVar (database versions not stated): TOPMed 0.00001.
gnomAD v4.1: 5 of 1,613,398 alleles (0.00031%); highest among the groups gnomAD compares: Admixed American, 0.0017%; no homozygotes.

Submissions (2):

Labcorp Genetics (formerly Invitae), Labcorp
Classification: Uncertain significance. Last evaluated: 2024-01-22. Review status: criteria provided, single submitter. Criteria: Invitae Variant Classification Sherloc (09022015). Collection method: clinical testing. Allele origin: germline.
Comment: This sequence change replaces asparagine, which is neutral and polar, with threonine, which is neutral and polar, at codon 616 of the LONP1 protein (p.Asn616Thr). This variant is not present in population databases (gnomAD no frequency). This variant has not been reported in the literature in individuals affected with LONP1-related conditions. ClinVar contains an entry for this variant (Variation ID: 591506). Advanced modeling of protein sequence and biophysical properties (such as structural, functional, and spatial information, amino acid conservation, physicochemical variation, residue mobility, and thermodynamic stability) performed at Invitae indicates that this missense variant is expected to disrupt LONP1 protein function with a positive predictive value of 80%. In summary, the available evidence is currently insufficient to determine the role of this variant in disease. Therefore, it has been classified as a Variant of Uncertain Significance.

Gharavi Laboratory, Columbia University
Classification: Uncertain significance. Last evaluated: 2018-09-16. Review status: no assertion criteria provided. Criteria: ACMG Guidelines, 2015. Collection method: research. Allele origin: germline. Affected: yes. Not counted in ClinVar's aggregate classification.